The following is an entry in ClinVar:

ClinVar aggregate classification (germline): Benign/Likely benign. Review status: criteria provided, multiple submitters, no conflicts (2 of 4 stars). 5 submissions from 5 submitters: Benign (1); Likely benign (3). 1 of the submissions does not count toward it. Last evaluated 2025-11-25.

Conditions:
TSC2-related disorder. Also called: TSC2-related condition; TSC2-Related Disorders.
Hereditary cancer-predisposing syndrome. Also called: Neoplastic Syndromes, Hereditary; Hereditary Cancer Syndrome; Hereditary neoplastic syndrome; Tumor predisposition. Identifiers: Orphanet 140162, MedGen C0027672, MeSH D009386, MONDO:0015356.
Tuberous sclerosis syndrome (TSC). Also called: Tuberous Sclerosis Complex; Tuberous sclerosis. Identifiers: Orphanet 805, MedGen C0041341, MONDO:0001734.
Tuberous sclerosis 2 (TSC2). Identifiers: Orphanet 805, MedGen C1860707, MONDO:0013199, OMIM 613254.

Allele frequency attached by ClinVar (database versions not stated): gnomAD exomes below 0.00001; gnomAD 0.00001; TOPMed 0.00001.
gnomAD v4.1: 3 of 1,614,048 alleles (0.00019%); highest among the groups gnomAD compares: African/African-American, 0.004%; no homozygotes.

Submissions (5):

Labcorp Genetics (formerly Invitae), Labcorp
Classification: Likely benign for Tuberous sclerosis 2. Last evaluated: 2025-11-25. Review status: criteria provided, single submitter. Criteria: Invitae Variant Classification Sherloc (09022015). Collection method: clinical testing. Allele origin: germline.

Myriad Genetics, Inc.
Classification: Benign for Tuberous sclerosis 2. Last evaluated: 2025-05-19. Review status: criteria provided, single submitter. Criteria: Myriad Autosomal Dominant, Autosomal Recessive and X-Linked Classification Criteria (2023). Collection method: clinical testing. Allele origin: unknown.
Comment: This variant is considered benign. This variant is a silent/synonymous amino acid change and it is not expected to impact splicing.

Color Diagnostics, LLC DBA Color Health
Classification: Likely benign for Tuberous sclerosis syndrome. Last evaluated: 2022-09-24. Review status: criteria provided, single submitter. Criteria: ACMG Guidelines, 2015. Collection method: clinical testing. Allele origin: germline.

Ambry Genetics
Classification: Likely benign for Hereditary cancer-predisposing syndrome. Last evaluated: 2021-09-03. Review status: criteria provided, single submitter. Criteria: Ambry Variant Classification Scheme 2023. Collection method: clinical testing. Allele origin: germline.

PreventionGenetics, part of Exact Sciences
Classification: Likely benign for TSC2-related condition. Last evaluated: 2024-03-04. Review status: no assertion criteria provided. Collection method: clinical testing. Allele origin: germline. Not counted in ClinVar's aggregate classification.
Comment: This variant is classified as likely benign based on ACMG/AMP sequence variant interpretation guidelines (Richards et al. 2015 PMID: 25741868, with internal and published modifications).

NM_000548.5(TSC2):c.2157T>C (p.Tyr719=)

Gene: TSC2 (TSC complex subunit 2; plus strand). Cytogenetic location: 16p13.3.
Variant type: single nucleotide variant.
Coding change: c.2157T>C on transcript NM_000548.5 (MANE Select); coding-DNA position 2157, T replaced by C.
Protein change: p.Tyr719=; no amino-acid change (tyrosine 719 retained).
Molecular consequence: synonymous variant.
Genome position (GRCh38, 1-based): chr16:2,072,300, T>C. VCF-style: chr16-2072300-T-C. GRCh37 (hg19) VCF-style: chr16-2122301-T-C.
Other names: c.2157T>C, p.Tyr719= (NM_001077183.3, NM_001114382.3, NM_001363528.2 and 3 more transcripts); c.2046T>C, p.Tyr682= (NM_001318827.2); c.2010T>C, p.Tyr670= (NM_001318829.2); c.1557T>C, p.Tyr519= (NM_001318831.2); c.2190T>C, p.Tyr730= (NM_001318832.2); c.2157T>C (NM_000548.4).
Identifiers: ClinVar variation 1118182 (VCV001118182.14), dbSNP rs902456479, ClinGen allele CA276738360.